The following is an entry in ClinVar:

ClinVar aggregate classification (germline): Uncertain significance (1 of 4 stars; one submission).

Conditions:
Hereditary cancer-predisposing syndrome. Also called: Hereditary Cancer Syndrome; Neoplastic Syndromes, Hereditary; Tumor predisposition; Hereditary neoplastic syndrome. Identifiers: Orphanet 140162, MedGen C0027672, MeSH D009386, MONDO:0015356.

Submission:

Ambry Genetics
Classification: Uncertain significance for Hereditary cancer-predisposing syndrome. Last evaluated: 2022-04-06. Review status: criteria provided, single submitter. Criteria: Ambry Variant Classification Scheme 2023. Collection method: clinical testing. Allele origin: germline.
Comment: The p.E1704V variant (also known as c.5111A>T), located in coding exon 33 of the ATM gene, results from an A to T substitution at nucleotide position 5111. The glutamic acid at codon 1704 is replaced by valine, an amino acid with dissimilar properties. This amino acid position is conserved. In addition, this alteration is predicted to be deleterious by in silico analysis. Since supporting evidence is limited at this time, the clinical significance of this alteration remains unclear.

NM_000051.4(ATM):c.5111A>T (p.Glu1704Val)

Gene: ATM (ATM serine/threonine kinase; plus strand). Cytogenetic location: 11q22.3.
Variant type: single nucleotide variant.
Coding change: c.5111A>T on transcript NM_000051.4 (MANE Select); coding-DNA position 5111, A replaced by T.
Protein change: p.Glu1704Val; replaces glutamic acid 1704 with valine.
Molecular consequence: missense variant.
Genome position (GRCh38, 1-based): chr11:108,299,819, A>T. VCF-style: chr11-108299819-A-T. GRCh37 (hg19) VCF-style: chr11-108170546-A-T.
Other names: c.5111A>T, p.Glu1704Val (NM_001351834.2); short protein forms E1704V.
Identifiers: ClinVar variation 1745416 (VCV001745416.2), dbSNP rs2083331490, ClinGen allele CA382540797.